The following is an entry in ClinVar:

ClinVar aggregate classification (germline): Pathogenic (1 of 4 stars; one submission).

Conditions:
Early-infantile DEE. Also called: Early infantile epileptic encephalopathy with suppression bursts; Early infantile epileptic encephalopathy; Ohtahara syndrome. Identifiers: Orphanet 1934, MedGen C0393706, MONDO:0800491.

Submission:

Labcorp Genetics (formerly Invitae), Labcorp
Classification: Pathogenic for Early-infantile DEE. Last evaluated: 2019-06-25. Review status: criteria provided, single submitter. Criteria: Invitae Variant Classification Sherloc (09022015). Collection method: clinical testing. Allele origin: germline.
Comment: This sequence change creates a premature translational stop signal (p.Phe1212Tyrfs*3) in the SCN1A gene. It is expected to result in an absent or disrupted protein product. For these reasons, this variant has been classified as Pathogenic. Loss-of-function variants in SCN1A are known to be pathogenic (PMID: 17347258, 18930999). This variant has not been reported in the literature in individuals with SCN1A-related disease. This variant is not present in population databases (ExAC no frequency).

Literature cited by the submitters: PubMed 17347258; PubMed 18930999.

NM_001165963.4(SCN1A):c.3635_3636delinsA (p.Phe1212fs)

Genes: SCN1A (sodium voltage-gated channel alpha subunit 1; minus strand), LOC102724058 (uncharacterized LOC102724058; plus strand). Cytogenetic location: 2q24.3.
Variant type: Indel.
Coding change: c.3635_3636delinsA on transcript NM_001165963.4 (MANE Select); coding-DNA positions 3635 to 3636, TC replaced by A.
Protein change: p.Phe1212fs; shifts the reading frame from phenylalanine 1212.
Molecular consequence: frameshift variant. On other transcripts: non-coding transcript variant (1).
Genome position (GRCh38, 1-based): chr2:166,013,813-166,013,814, GA replaced by T on the plus strand (TC replaced by A on the coding strand, the reverse complement: SCN1A is on the minus strand). VCF-style: chr2-166013813-GA-T. GRCh37 (hg19) VCF-style: chr2-166870323-GA-T.
Other names: c.3551_3552delinsA, p.Phe1184fs (NM_001165964.3, NM_001353957.2, NM_001353958.2); c.3635_3636delinsA, p.Phe1212fs (NM_001202435.3, NM_001353948.2); c.3602_3603delinsA, p.Phe1201fs (NM_001353949.2, NM_001353950.2, NM_001353951.2 and 2 more transcripts); c.3599_3600delinsA, p.Phe1200fs (NM_001353954.2, NM_001353955.2); c.3548_3549delinsA, p.Phe1183fs (NM_001353960.2); c.1193_1194delinsA, p.Phe398fs (NM_001353961.2); short protein forms F1200fs, F1201fs, F398fs, F1184fs, F1212fs, F1183fs.
Identifiers: ClinVar variation 644584 (VCV000644584.7), dbSNP rs1574060717, ClinGen allele CA915942886.